The following is an entry in ClinVar:

ClinVar aggregate classification (germline): Uncertain significance (1 of 4 stars; one submission).

Conditions:
Neuroblastoma, susceptibility to, 3. Also called: ALK-Related Neuroblastic Tumor Susceptibility. Identifiers: Orphanet 635, MedGen C2751681, MONDO:0013083, OMIM 613014.

Submission:

Labcorp Genetics (formerly Invitae), Labcorp
Classification: Uncertain significance for Neuroblastoma, susceptibility to, 3. Last evaluated: 2022-11-09. Review status: criteria provided, single submitter. Criteria: Invitae Variant Classification Sherloc (09022015). Collection method: clinical testing. Allele origin: germline.
Comment: In summary, the available evidence is currently insufficient to determine the role of this variant in disease. Therefore, it has been classified as a Variant of Uncertain Significance. Algorithms developed to predict the effect of missense changes on protein structure and function (SIFT, PolyPhen-2, Align-GVGD) all suggest that this variant is likely to be disruptive. This variant has not been reported in the literature in individuals affected with ALK-related conditions. This variant is not present in population databases (gnomAD no frequency). This sequence change replaces serine, which is neutral and polar, with arginine, which is basic and polar, at codon 1172 of the ALK protein (p.Ser1172Arg).

NM_004304.5(ALK):c.3514A>C (p.Ser1172Arg)

Gene: ALK (ALK receptor tyrosine kinase; minus strand). Cytogenetic location: 2p23.2.
Variant type: single nucleotide variant.
Coding change: c.3514A>C on transcript NM_004304.5 (MANE Select); coding-DNA position 3514, A replaced by C.
Protein change: p.Ser1172Arg; replaces serine 1172 with arginine.
Molecular consequence: missense variant.
Genome position (GRCh38, 1-based): chr2:29,222,345, T>G on the plus strand (A>C on the coding strand, the complement: ALK is on the minus strand). VCF-style: chr2-29222345-T-G. GRCh37 (hg19) VCF-style: chr2-29445211-T-G.
Other names: c.310A>C, p.Ser104Arg (NM_001353765.2); short protein forms S104R, S1172R.
Identifiers: ClinVar variation 2813107 (VCV002813107.3), dbSNP rs1669825339, ClinGen allele CA346462875.